The following is an entry in ClinVar:

NM_013319.3(UBIAD1):c.556G>A (p.Gly186Arg)

Gene: UBIAD1 (UbiA prenyltransferase domain containing 1; plus strand). Cytogenetic location: 1p36.22.
Variant type: single nucleotide variant.
Coding change: c.556G>A on transcript NM_013319.3 (MANE Select); coding-DNA position 556, G replaced by A.
Protein change: p.Gly186Arg; replaces glycine 186 with arginine.
Molecular consequence: missense variant. On other transcripts: intron variant (1).
Genome position (GRCh38, 1-based): chr1:11,285,670, G>A. VCF-style: chr1-11285670-G-A. GRCh37 (hg19) VCF-style: chr1-11345727-G-A.
Other names: c.556G>A, p.Gly186Arg (NM_001330349.2); c.530-9203G>A (NM_001330350.2); short protein forms G186R.
Identifiers: ClinVar variation 863 (VCV000000863.2), dbSNP rs118203952, ClinGen allele CA114582.

ClinVar aggregate classification (germline): Uncertain significance. Review status: criteria provided, single submitter (1 of 4 stars). 2 submissions from 2 submitters: Uncertain significance (1). 1 of the submissions does not count toward it. Last evaluated 2025-10-22.

Conditions:
Schnyder crystalline corneal dystrophy (SCCD). Also called: Crystalline corneal dystrophy; Schnyder corneal dystrophy. Identifiers: Orphanet 98967, MedGen C0271287, MONDO:0007374, OMIM 121800.

Submissions (2):

3billion
Classification: Uncertain significance for Schnyder crystalline corneal dystrophy. Last evaluated: 2025-10-22. Review status: criteria provided, single submitter. Criteria: ACMG Guidelines, 2015. Collection method: clinical testing. Allele origin: germline. Affected: yes.
Comment: The variant is not observed in the gnomAD v4.1.0 dataset. Predicted Consequence/Location: Missense variant. Missense changes are a common disease-causing mechanism. In silico tool predictions suggest damaging effect of the variant on gene or gene product [REVEL: 0.94 (>=0.6, sensitivity 0.68 and specificity 0.92); 3Cnet: 0.85 (> 0.75, sensitivity 0.96 and precision 0.92)]. The same nucleotide change resulting in the same amino acid change has been previously reported to be associated with UBIAD1-related disorder (ClinVar ID: VCV000000863 /PMID: 18176953). Therefore, this variant is classified as VUS according to the recommendation of ACMG/AMP guideline.

OMIM
Classification: Pathogenic for CORNEAL DYSTROPHY, SCHNYDER. Last evaluated: 2008-02-01. Review status: no assertion criteria provided. Collection method: literature only. Allele origin: germline. Not counted in ClinVar's aggregate classification.

Literature cited by the submitters: PubMed 18176953 (cited by 3billion and OMIM); PubMed 15034782 (cited by OMIM).